The following is an entry in ClinVar:

ClinVar aggregate classification (germline): Uncertain significance (1 of 4 stars; one submission).

gnomAD v4.1: 1 of 1,591,560 alleles (0.000063%); highest among the groups gnomAD compares: South Asian, 0.0011%; no homozygotes.

Submission:

GeneDx
Classification: Uncertain significance. Last evaluated: 2022-03-18. Review status: criteria provided, single submitter. Criteria: GeneDx Variant Classification Process June 2021. Collection method: clinical testing. Allele origin: germline. Affected: yes.
Comment: Not observed at significant frequency in large population cohorts (gnomAD); In silico analysis supports that this missense variant has a deleterious effect on protein structure/function; Has not been previously published as pathogenic or benign to our knowledge

NM_002609.4(PDGFRB):c.1223C>A (p.Ser408Tyr)

Gene: PDGFRB (platelet derived growth factor receptor beta; minus strand). Cytogenetic location: 5q32.
Variant type: single nucleotide variant.
Coding change: c.1223C>A on transcript NM_002609.4 (MANE Select); coding-DNA position 1223, C replaced by A.
Protein change: p.Ser408Tyr; replaces serine 408 with tyrosine.
Molecular consequence: missense variant.
Genome position (GRCh38, 1-based): chr5:150,131,999, G>T on the plus strand (C>A on the coding strand, the complement: PDGFRB is on the minus strand). VCF-style: chr5-150131999-G-T. GRCh37 (hg19) VCF-style: chr5-149511562-G-T.
Other names: c.1031C>A, p.Ser344Tyr (NM_001355016.2); c.740C>A, p.Ser247Tyr (NM_001355017.2); short protein forms S247Y, S344Y, S408Y.
Identifiers: ClinVar variation 1706361 (VCV001706361.2), dbSNP rs200203294, ClinGen allele CA361717783.